The following is an entry in ClinVar:

NM_002890.3(RASA1):c.2088A>G (p.Ile696Met)

Genes: CCNH (cyclin H; minus strand), RASA1 (RAS p21 protein activator 1; plus strand). Cytogenetic location: 5q14.3.
Variant type: single nucleotide variant.
Coding change: c.2088A>G on transcript NM_002890.3 (MANE Select); coding-DNA position 2088, A replaced by G.
Protein change: p.Ile696Met; replaces isoleucine 696 with methionine.
Molecular consequence: missense variant. On other transcripts: intron variant (1).
Genome position (GRCh38, 1-based): chr5:87,376,469, A>G. VCF-style: chr5-87376469-A-G. GRCh37 (hg19) VCF-style: chr5-86672286-A-G.
Other names: c.1557A>G, p.Ile519Met (NM_022650.3); c.933+18575T>C (NM_001364075.2); short protein forms I696M, I519M.
Identifiers: ClinVar variation 2046053 (VCV002046053.4), dbSNP rs2531347624, ClinGen allele CA360378874.

ClinVar aggregate classification (germline): Uncertain significance (1 of 4 stars; one submission).

Conditions:
Capillary malformation-arteriovenous malformation syndrome. Also called: Capillary malformation-arteriovenous malformation. Identifiers: Orphanet 137667, MedGen C1842180, MONDO:0012016.

Submission:

Labcorp Genetics (formerly Invitae), Labcorp
Classification: Uncertain significance for Capillary malformation-arteriovenous malformation syndrome. Last evaluated: 2025-05-27. Review status: criteria provided, single submitter. Criteria: Invitae Variant Classification Sherloc (09022015). Collection method: clinical testing. Allele origin: germline.
Comment: This sequence change replaces isoleucine, which is neutral and non-polar, with methionine, which is neutral and non-polar, at codon 696 of the RASA1 protein (p.Ile696Met). This variant is not present in population databases (gnomAD no frequency). This variant has not been reported in the literature in individuals affected with RASA1-related conditions. ClinVar contains an entry for this variant (Variation ID: 2046053). An algorithm developed to predict the effect of missense changes on protein structure and function (PolyPhen-2) suggests that this variant is likely to be tolerated. In summary, the available evidence is currently insufficient to determine the role of this variant in disease. Therefore, it has been classified as a Variant of Uncertain Significance.